The following is an entry in ClinVar:

NM_000535.7(PMS2):c.538-16T>G

Gene: PMS2 (PMS1 homolog 2, mismatch repair system component; minus strand). Cytogenetic location: 7p22.1.
Variant type: single nucleotide variant.
Coding change: c.538-16T>G on transcript NM_000535.7 (MANE Select); 16 bases into the intron before coding-DNA position 538, T replaced by G.
Molecular consequence: intron variant.
Genome position (GRCh38, 1-based): chr7:5,999,291, A>C on the plus strand (T>G on the coding strand, the complement: PMS2 is on the minus strand). VCF-style: chr7-5999291-A-C. GRCh37 (hg19) VCF-style: chr7-6038922-A-C.
Other names: c.220-16T>G (NM_001322008.2, NM_001322007.2); c.133-16T>G (NM_001322010.2, NM_001322004.2, NM_001322003.2 and 2 more transcripts); c.133-1868T>G (NM_001322013.2); c.-347-65T>G (NM_001322012.2, NM_001322011.2); c.229-16T>G (NM_001322015.2); c.538-16T>G (NM_001322006.2, NM_001322014.2).
Identifiers: ClinVar variation 418413 (VCV000418413.12), dbSNP rs763941291, ClinGen allele CA050192.
Genomic context (GRCh38, chr7:5,999,291, plus strand): 5'-AATGATACAGTATGCATGTAAGACCTGGACCATTTTGGCATACTCCTGTTTAAAAAACAC[A>C]AACACAATATTCTACATTACTTTAATATTATAGGAATTACACAGCTCAAGTTACAACATC-3'

ClinVar aggregate classification (germline): Conflicting classifications of pathogenicity. Review status: criteria provided, conflicting classifications (1 of 4 stars). 3 submissions from 3 submitters: Uncertain significance (1); Likely benign (2). Last evaluated 2026-01-27.

Conditions:
Hereditary nonpolyposis colorectal neoplasms. Identifiers: MedGen C0009405, MeSH D003123.
Hereditary cancer-predisposing syndrome. Also called: Hereditary neoplastic syndrome; Tumor predisposition; Neoplastic Syndromes, Hereditary; Hereditary Cancer Syndrome. Identifiers: Orphanet 140162, MedGen C0027672, MeSH D009386, MONDO:0015356.

Allele frequency attached by ClinVar (database versions not stated): ExAC 0.00001; gnomAD 0.00001; gnomAD exomes 0.00001 and 0.00002; TOPMed 0.00003.

Submissions (3):

Labcorp Genetics (formerly Invitae), Labcorp
Classification: Likely benign for Hereditary nonpolyposis colorectal neoplasms. Last evaluated: 2026-01-27. Review status: criteria provided, single submitter. Criteria: Invitae Variant Classification Sherloc (09022015). Collection method: clinical testing. Allele origin: germline.

GeneDx
Classification: Uncertain significance. Last evaluated: 2016-11-11. Review status: criteria provided, single submitter. Criteria: GeneDx Variant Classification (06012015). Collection method: clinical testing. Allele origin: germline. Affected: yes.
Comment: This variant is denoted PMS2 c.538-16T>G or IVS5-16T>G and consists of a T>G nucleotide substitution at the -16 position of intron 5 of the PMS2 gene. Multiple in silico models predict this variant to damage the nearby natural splice acceptor site, and to possibly cause abnormal gene splicing. However, in the absence of RNA or functional studies, the actual effect of this variant is unknown. This variant has not, to our knowledge, been published in the literature as pathogenic or benign. PMS2 c.538-16T>G was not observed in approximately 6,500 individuals of European and African American ancestry in the NHLBI Exome Sequencing Project, suggesting it is not a common benign variant in these populations. The thymine (T) nucleotide that is altered is not conserved. Based on currently available information, it is unclear whether PMS2 c.538-16T>G is pathogenic or benign. We consider it to be a variant of uncertain significance.

Color Diagnostics, LLC DBA Color Health
Classification: Likely benign for Hereditary cancer-predisposing syndrome. Last evaluated: 2016-10-17. Review status: criteria provided, single submitter. Criteria: ACMG Guidelines, 2015. Collection method: clinical testing. Allele origin: germline.